The following is an entry in ClinVar:

NM_000343.4(SLC5A1):c.1301T>C (p.Ile434Thr)

Gene: SLC5A1 (solute carrier family 5 member 1; plus strand). Cytogenetic location: 22q12.3.
Variant type: single nucleotide variant.
Coding change: c.1301T>C on transcript NM_000343.4 (MANE Select); coding-DNA position 1301, T replaced by C.
Protein change: p.Ile434Thr; replaces isoleucine 434 with threonine.
Molecular consequence: missense variant.
Genome position (GRCh38, 1-based): chr22:32,099,203, T>C. VCF-style: chr22-32099203-T-C. GRCh37 (hg19) VCF-style: chr22-32495190-T-C.
Other names: c.920T>C, p.Ile307Thr (NM_001256314.2); short protein forms I307T, I434T.
Identifiers: ClinVar variation 2589942 (VCV002589942.5), dbSNP rs202090647, ClinGen allele CA10198214.

ClinVar aggregate classification (germline): Uncertain significance. Review status: criteria provided, multiple submitters, no conflicts (2 of 4 stars). 3 submissions from 3 submitters: Uncertain significance (3). Last evaluated 2025-12-22.

Conditions:
Inborn genetic diseases. Identifiers: MedGen C0950123, MeSH D030342.
Congenital glucose-galactose malabsorption (GGM). Also called: DIARRHEA 16; MONOSACCHARIDE MALABSORPTION. Identifiers: Orphanet 35710, MedGen C0268186, MONDO:0011731, OMIM 606824.

Allele frequency attached by ClinVar (database versions not stated): gnomAD 0.00001; TOPMed 0.00001; gnomAD exomes 0.00002; ExAC 0.00004; 1000 Genomes Project 30x 0.00016; 1000 Genomes Project 0.00020.
gnomAD v4.1: 36 of 1,609,562 alleles (0.0022%); highest among the groups gnomAD compares: East Asian, 0.025%; no homozygotes.

Submissions (3):

Labcorp Genetics (formerly Invitae), Labcorp
Classification: Uncertain significance for Congenital glucose-galactose malabsorption. Last evaluated: 2025-12-22. Review status: criteria provided, single submitter. Criteria: Invitae Variant Classification Sherloc (09022015). Collection method: clinical testing. Allele origin: germline.
Comment: This sequence change replaces isoleucine, which is neutral and non-polar, with threonine, which is neutral and polar, at codon 434 of the SLC5A1 protein (p.Ile434Thr). This variant is present in population databases (rs202090647, gnomAD 0.04%). This variant has not been reported in the literature in individuals affected with SLC5A1-related conditions. ClinVar contains an entry for this variant (Variation ID: 2589942). Invitae Evidence Modeling of protein sequence and biophysical properties (such as structural, functional, and spatial information, amino acid conservation, physicochemical variation, residue mobility, and thermodynamic stability) has been performed for this missense variant. However, the output from this modeling did not meet the statistical confidence thresholds required to predict the impact of this variant on SLC5A1 protein function. In summary, the available evidence is currently insufficient to determine the role of this variant in disease. Therefore, it has been classified as a Variant of Uncertain Significance.

Ambry Genetics
Classification: Uncertain significance for Inborn genetic diseases. Last evaluated: 2025-08-07. Review status: criteria provided, single submitter. Criteria: Ambry Variant Classification Scheme 2023. Collection method: clinical testing. Allele origin: germline.

Fulgent Genetics
Classification: Uncertain significance for Congenital glucose-galactose malabsorption. Last evaluated: 2024-06-24. Review status: criteria provided, single submitter. Criteria: ACMG Guidelines, 2015. Collection method: clinical testing. Allele origin: germline.